The following is an entry in ClinVar:

NM_000632.4(ITGAM):c.1359C>G (p.Ile453Met)

Gene: ITGAM (integrin subunit alpha M; plus strand). Cytogenetic location: 16p11.2.
Variant type: single nucleotide variant.
Coding change: c.1359C>G on transcript NM_000632.4 (MANE Select); coding-DNA position 1359, C replaced by G.
Protein change: p.Ile453Met; replaces isoleucine 453 with methionine.
Molecular consequence: missense variant.
Genome position (GRCh38, 1-based): chr16:31,297,516, C>G. VCF-style: chr16-31297516-C-G. GRCh37 (hg19) VCF-style: chr16-31308837-C-G.
Other names: c.1359C>G, p.Ile453Met (NM_001145808.2); short protein forms I453M.
Identifiers: ClinVar variation 3530495 (VCV003530495.3).

ClinVar aggregate classification (germline): Uncertain significance. Review status: criteria provided, multiple submitters, no conflicts (2 of 4 stars). 2 submissions from 2 submitters: Uncertain significance (2). Last evaluated 2024-10-09.

gnomAD v4.1: 22 of 1,611,890 alleles (0.0014%); highest among the groups gnomAD compares: Middle Eastern, 0.022%; no homozygotes.

Submissions (2):

Ambry Genetics
Classification: Uncertain significance. Last evaluated: 2024-10-09. Review status: criteria provided, single submitter. Criteria: Ambry Variant Classification Scheme 2023. Collection method: clinical testing. Allele origin: germline.

Labcorp Genetics (formerly Invitae), Labcorp
Classification: Uncertain significance. Last evaluated: 2024-05-06. Review status: criteria provided, single submitter. Criteria: Invitae Variant Classification Sherloc (09022015). Collection method: clinical testing. Allele origin: germline.
Comment: This sequence change replaces isoleucine, which is neutral and non-polar, with methionine, which is neutral and non-polar, at codon 453 of the ITGAM protein (p.Ile453Met). This variant is present in population databases (rs371892089, gnomAD 0.01%). This variant has not been reported in the literature in individuals affected with ITGAM-related conditions. An algorithm developed to predict the effect of missense changes on protein structure and function (PolyPhen-2) suggests that this variant is likely to be disruptive. In summary, the available evidence is currently insufficient to determine the role of this variant in disease. Therefore, it has been classified as a Variant of Uncertain Significance.